The following is an entry in ClinVar:

ClinVar aggregate classification (germline): Pathogenic (1 of 4 stars; one submission).

Conditions:
Mucopolysaccharidosis, MPS-II (MPS2). Also called: Hunter Syndrome; IDURONATE 2-SULFATASE DEFICIENCY; Mucopolysaccharidosis Type II; Mucopolysaccharidosis type 2; Attenuated MPS (subtype; formerly known as mild MPS II); Severe MPS II. Identifiers: Orphanet 580, Orphanet 79388, MedGen C0026705, MONDO:0010674, OMIM 309900.

Submission:

Laboratory of Diagnosis and Therapy of Lysosomal Disorders, University of Padova
Classification: Pathogenic for Mucopolysaccharidosis, MPS-II. Last evaluated: 2024-06-07. Review status: criteria provided, single submitter. Criteria: ACMG Guidelines, 2015. Collection method: literature only. Allele origin: germline. Affected: yes. Observed: 1 variant allele.
Comment: Null variant (PVS1_Strong), Absent from controls (or at low frequency) in gnomAD database (PM2_Moderate), Patient’s phenotype or family history highly specific for the disease (PP4_Strong)

Classification method: ACMG Guidelines [PMID:25741868] with modifications

Literature cited by the submitters: PubMed 9875019.

NM_000202.8(IDS):c.1398T>A (p.Tyr466Ter)

Gene: IDS (iduronate 2-sulfatase; minus strand). Cytogenetic location: Xq28.
Variant type: single nucleotide variant.
Coding change: c.1398T>A on transcript NM_000202.8 (MANE Select); coding-DNA position 1398, T replaced by A.
Protein change: p.Tyr466Ter; replaces tyrosine 466 with a stop codon.
Molecular consequence: nonsense.
Genome position (GRCh38, 1-based): chrX:149,483,001, A>T on the plus strand (T>A on the coding strand, the complement: IDS is on the minus strand). VCF-style: chrX-149483001-A-T. GRCh37 (hg19) VCF-style: chrX-148564532-A-T.
Other names: c.1128T>A, p.Tyr376Ter (NM_001166550.4); short protein forms Y376*, Y466*.
Identifiers: ClinVar variation 3256044 (VCV003256044.2).